The following is an entry in ClinVar:

NM_001927.4(DES):c.170C>T (p.Ser57Leu)

Gene: DES (desmin; plus strand). Cytogenetic location: 2q35.
Variant type: single nucleotide variant.
Coding change: c.170C>T on transcript NM_001927.4 (MANE Select); coding-DNA position 170, C replaced by T.
Protein change: p.Ser57Leu; replaces serine 57 with leucine.
Molecular consequence: missense variant.
Genome position (GRCh38, 1-based): chr2:219,418,632, C>T. VCF-style: chr2-219418632-C-T. GRCh37 (hg19) VCF-style: chr2-220283354-C-T.
Other names: p.S57L:TCG>TTG; short protein forms S57L.
Identifiers: ClinVar variation 44254 (VCV000044254.67), dbSNP rs372825868, ClinGen allele CA133832.

ClinVar aggregate classification (germline): Conflicting classifications of pathogenicity. Review status: criteria provided, conflicting classifications (1 of 4 stars). 19 submissions from 17 submitters: Uncertain significance (10); Benign (1); Likely benign (5). 3 of the submissions do not count toward it. Last evaluated 2026-07-01.

Conditions:
DES-related disorder. Also called: DES-related condition.
Cardiovascular phenotype. Identifiers: MedGen CN230736.
Desmin-related myofibrillar myopathy (MFM1). Also called: Desminopathy; Desmin related myopathy (former name); Desmin storage myopathy (former name); MYOFIBRILLAR MYOPATHY WITH ARRHYTHMOGENIC RIGHT VENTRICULAR CARDIOMYOPATHY; DESMIN-RELATED MYOPATHY WITH ARRHYTHMOGENIC RIGHT VENTRICULAR CARDIOMYOPATHY; Myofibrillar myopathy 1. Identifiers: Orphanet 363543, Orphanet 98909, MedGen C1832370, MONDO:0011076, OMIM 601419.
Neurogenic scapuloperoneal syndrome, Kaeser type (SCPNK). Also called: KAESER SYNDROME. Identifiers: Orphanet 85146, MedGen C1867005, MONDO:0008407, OMIM 181400.
Dilated cardiomyopathy 1I (CMD1I). Identifiers: Orphanet 154, MedGen C1858154, MONDO:0011482, OMIM 604765.

Allele frequency attached by ClinVar (database versions not stated): gnomAD exomes 0.00010 and 0.00029; 1000 Genomes Project 30x 0.00016; 1000 Genomes Project 0.00020; ExAC 0.00030; ESP Exome Variant Server 0.00033; TOPMed 0.00064; gnomAD 0.00070 and 0.00077.

Submissions (19):

PreventionGenetics, part of Exact Sciences
Classification: Uncertain significance for DES-related condition. Last evaluated: 2026-07-01. Review status: criteria provided, single submitter. Criteria: ACMG Guidelines, 2015. Collection method: clinical testing. Allele origin: germline.
Comment: The DES c.170C>T variant is predicted to result in the amino acid substitution p.Ser57Leu. This variant was reported in an individual with desminopathy (Kubánek et al. 2020. PubMed ID: 32235386). This variant is reported in 0.11% of alleles in individuals of African descent in gnomAD. Although we suspect that this variant may be benign, at this time, the clinical significance of this variant is uncertain due to the absence of conclusive functional and genetic evidence.

CeGaT Center for Human Genetics Tuebingen
Classification: Likely benign. Last evaluated: 2026-06-01. Review status: criteria provided, single submitter. Criteria: CeGaT Center For Human Genetics Tuebingen Variant Classification Criteria Version 2. Collection method: clinical testing. Allele origin: germline. Affected: yes. Observed: 7 variant alleles.
Comment: DES: PP3, BS2

Molecular Diagnostic Laboratory for Inherited Cardiovascular Disease, Montreal Heart Institute
Classification: Likely benign. Last evaluated: 2025-04-09. Review status: criteria provided, single submitter. Criteria: ACMG Guidelines, 2015. Collection method: clinical testing. Allele origin: germline. Affected: no.
Comment: BS1

Women's Health and Genetics/Laboratory Corporation of America, LabCorp
Classification: Likely benign. Last evaluated: 2025-02-10. Review status: criteria provided, single submitter. Criteria: LabCorp Variant Classification Summary - May 2015. Collection method: clinical testing. Allele origin: germline.
Comment: Variant summary: DES c.170C>T (p.Ser57Leu) results in a non-conservative amino acid change located in the Intermediate filament head, DNA-binding domain of the encoded protein sequence. Three of five in-silico tools predict a benign effect of the variant on protein function. The variant allele was found at a frequency of 0.00029 in 218216 control chromosomes. The observed variant frequency is approximately 11.55 fold of the estimated maximal expected allele frequency for a pathogenic variant in DES causing Cardiomyopathy phenotype (2.5e-05). c.170C>T has been reported in the literature in individuals affected with Cardiomyopathy (e.g., Santori_2015, Kubnek_2020, Khan_2022). However, these report(s) do not provide unequivocal conclusions about association of the variant with Cardiomyopathy. To our knowledge, no experimental evidence demonstrating an impact on protein function has been reported. The following publications have been ascertained in the context of this evaluation (PMID: 34935411, 32235386, 26272908). ClinVar contains an entry for this variant (Variation ID: 44254). Based on the evidence outlined above, the variant was classified as likely benign.

Labcorp Genetics (formerly Invitae), Labcorp
Classification: Uncertain significance for Desmin-related myofibrillar myopathy. Last evaluated: 2025-02-02. Review status: criteria provided, single submitter. Criteria: Invitae Variant Classification Sherloc (09022015). Collection method: clinical testing. Allele origin: germline.
Comment: This sequence change replaces serine, which is neutral and polar, with leucine, which is neutral and non-polar, at codon 57 of the DES protein (p.Ser57Leu). This variant is present in population databases (rs372825868, gnomAD 0.1%). This missense change has been observed in individual(s) with sudden unexpected death, dilated cardiomyopathy and hypertrophic cardiomyopathy (PMID: 26272908, 30847666, 32235386). ClinVar contains an entry for this variant (Variation ID: 44254). Invitae Evidence Modeling of protein sequence and biophysical properties (such as structural, functional, and spatial information, amino acid conservation, physicochemical variation, residue mobility, and thermodynamic stability) has been performed for this missense variant. However, the output from this modeling did not meet the statistical confidence thresholds required to predict the impact of this variant on DES protein function. In summary, the available evidence is currently insufficient to determine the role of this variant in disease. Therefore, it has been classified as a Variant of Uncertain Significance.

Blueprint Genetics
Classification: Likely benign. Last evaluated: 2024-11-15. Review status: criteria provided, single submitter. Criteria: ACMG Guidelines, 2015. Collection method: clinical testing. Allele origin: germline.

GeneDx
Classification: Uncertain significance. Last evaluated: 2024-06-12. Review status: criteria provided, single submitter. Criteria: GeneDx Variant Classification Process June 2021. Collection method: clinical testing. Allele origin: germline. Affected: yes.
Comment: Functional studies showed p.(S57L) results in similar desmin aggregates but different location of the protein compared to wild type (PMID: 32235386); In silico analysis indicates that this missense variant does not alter protein structure/function; This variant is associated with the following publications: (PMID: 30564623, 20718792, 26272908, 32235386, 34935411, 30847666)

Mayo Clinic Laboratories, Mayo Clinic
Classification: Uncertain significance. Last evaluated: 2024-05-30. Review status: criteria provided, single submitter. Criteria: ACMG Guidelines, 2015. Collection method: clinical testing. Allele origin: germline. Observed: 1 variant allele.
Comment: PP4, PS4_moderate

Revvity Omics, Revvity
Classification: Uncertain significance. Last evaluated: 2023-06-14. Review status: criteria provided, single submitter. Criteria: ACMG Guidelines, 2015. Collection method: clinical testing. Allele origin: germline.

Ambry Genetics
Classification: Likely benign for Cardiovascular phenotype. Last evaluated: 2022-12-02. Review status: criteria provided, single submitter. Criteria: Ambry Variant Classification Scheme 2023. Collection method: clinical testing. Allele origin: germline.

Eurofins Ntd Llc (ga)
Classification: Uncertain significance. Last evaluated: 2018-05-25. Review status: criteria provided, single submitter. Criteria: EGL ClinVar v180209 classification definitions. Collection method: clinical testing. Allele origin: germline. Observed: 4 variant alleles, 4 heterozygotes.

Illumina Laboratory Services, Illumina
Classification: Uncertain significance for Myofibrillar myopathy 1. Last evaluated: 2018-01-12. Review status: criteria provided, single submitter. Criteria: ICSL Variant Classification Criteria 13 December 2019. Collection method: clinical testing. Allele origin: germline.

Illumina Laboratory Services, Illumina
Classification: Benign for Neurogenic scapuloperoneal syndrome, Kaeser type. Last evaluated: 2018-01-12. Review status: criteria provided, single submitter. Criteria: ICSL Variant Classification Criteria 13 December 2019. Collection method: clinical testing. Allele origin: germline.
Comment: This variant was observed in the ICSL laboratory as part of a predisposition screen in an ostensibly healthy population. It had not been previously curated by ICSL or reported in the Human Gene Mutation Database (HGMD: prior to June 1st, 2018), and was therefore a candidate for classification through an automated scoring system. Utilizing variant allele frequency, disease prevalence and penetrance estimates, and inheritance mode, an automated score was calculated to assess if this variant is too frequent to cause the disease. Based on the score and internal cut-off values, a variant classified as benign is not then subjected to further curation. The score for this variant resulted in a classification of benign for this disease.

Illumina Laboratory Services, Illumina
Classification: Uncertain significance for Dilated cardiomyopathy 1I. Last evaluated: 2018-01-12. Review status: criteria provided, single submitter. Criteria: ICSL Variant Classification Criteria 13 December 2019. Collection method: clinical testing. Allele origin: germline.

ARUP Laboratories, Molecular Genetics and Genomics, ARUP Laboratories
Classification: Uncertain significance. Last evaluated: 2017-02-16. Review status: criteria provided, single submitter. Criteria: ARUP Molecular Germline Variant Investigation Process. Collection method: clinical testing. Allele origin: germline.

Laboratory for Molecular Medicine, Mass General Brigham Personalized Medicine
Classification: Uncertain significance. Last evaluated: 2014-09-30. Review status: criteria provided, single submitter. Criteria: LMM Criteria. Collection method: clinical testing. Allele origin: germline. Observed: 3 variant alleles.
Comment: Variant classified as Uncertain Significance - Favor Benign. The Ser57Leu varian t in DES has been previously identified by our laboratory in 1 toddler with LVNC and 1 teenager with reduced LV function. This variant has also been identified in 0.1% (4/4142) of African American chromosomes by the NHLBI Exome Sequencing P roject (dbSNP rs372825868). Computational pre diction tools and conservation analysis suggest this variant may impact the prot ein, though this information is not predictive enough to determine pathogenicity . In summary, while the clinical significance of the Ser57Leu variant is uncerta in, its frequency suggests that it is more likely to be benign.

Clinical Genetics DNA and cytogenetics Diagnostics Lab, Erasmus MC, Erasmus Medical Center
Classification: Uncertain significance. Review status: no assertion criteria provided. Collection method: clinical testing. Allele origin: germline. Affected: yes. Study: VKGL Data-share Consensus. Not counted in ClinVar's aggregate classification.

Clinical Genetics, Academic Medical Center
Classification: Uncertain significance. Review status: no assertion criteria provided. Collection method: clinical testing. Allele origin: germline. Affected: yes. Study: VKGL Data-share Consensus. Not counted in ClinVar's aggregate classification.

Diagnostic Laboratory, Department of Genetics, University Medical Center Groningen
Classification: Uncertain significance. Review status: no assertion criteria provided. Collection method: clinical testing. Allele origin: germline. Affected: yes. Study: VKGL Data-share Consensus. Not counted in ClinVar's aggregate classification.

Literature cited by the submitters: PubMed 26272908 (cited by 4 submitters); PubMed 34935411 (cited by Women's Health and Genetics/Laboratory Corporation of America, LabCorp and Mayo Clinic Laboratories, Mayo Clinic); PubMed 32235386 (cited by 4 submitters); PubMed 30847666 (cited by 3 submitters); PubMed 20718792 (cited by Laboratory for Molecular Medicine, Mass General Brigham Personalized Medicine).